The following is an entry in ClinVar:

ClinVar aggregate classification (germline): Uncertain significance (1 of 4 stars; one submission).

gnomAD v4.1: 3 of 1,608,644 alleles (0.00019%); highest among the groups gnomAD compares: Middle Eastern, 0.017%; no homozygotes.

Submission:

Labcorp Genetics (formerly Invitae), Labcorp
Classification: Uncertain significance. Last evaluated: 2024-06-03. Review status: criteria provided, single submitter. Criteria: Invitae Variant Classification Sherloc (09022015). Collection method: clinical testing. Allele origin: germline.
Comment: This sequence change falls in intron 52 of the LAMA5 gene. It does not directly change the encoded amino acid sequence of the LAMA5 protein. This variant is not present in population databases (gnomAD no frequency). This variant has not been reported in the literature in individuals affected with LAMA5-related conditions. Algorithms developed to predict the effect of sequence changes on RNA splicing suggest that this variant may disrupt the consensus splice site. In summary, the available evidence is currently insufficient to determine the role of this variant in disease. Therefore, it has been classified as a Variant of Uncertain Significance.

NM_005560.6(LAMA5):c.7043-10T>A

Gene: LAMA5 (laminin subunit alpha 5; minus strand). Cytogenetic location: 20q13.33.
Variant type: single nucleotide variant.
Coding change: c.7043-10T>A on transcript NM_005560.6 (MANE Select); 10 bases into the intron before coding-DNA position 7043, T replaced by A.
Molecular consequence: intron variant.
Genome position (GRCh38, 1-based): chr20:62,318,660, A>T on the plus strand (T>A on the coding strand, the complement: LAMA5 is on the minus strand). VCF-style: chr20-62318660-A-T. GRCh37 (hg19) VCF-style: chr20-60893716-A-T.
Identifiers: ClinVar variation 3674773 (VCV003674773.2).
Genomic context (GRCh38, chr20:62,318,660, plus strand): 5'-CCTGGTTCTCCTCCCAGAGGCTGCTCAGCTGCTCCTGCACCCGGGCCAGCACTAGCCGAG[A>T]CCAGGGTGAGGGTGGTCACTCTGGAAGCCAGGCCCCTTCATGACCCCTGGTCTCCACTTG-3'